The following is an entry in ClinVar:

ClinVar aggregate classification (germline): Uncertain significance. Review status: criteria provided, multiple submitters, no conflicts (2 of 4 stars). 2 submissions from 2 submitters: Uncertain significance (2). Last evaluated 2025-09-28.

Conditions:
Supravalvar aortic stenosis (SVAS). Also called: Supravalvar aortic stenosis, Eisenberg type. Identifiers: Orphanet 3193, MedGen C0003499, MONDO:0008504, OMIM 185500, HP:0004381.
Cutis laxa, autosomal dominant 1 (ADCL1). Also called: ELN-Related Cutis Laxa. Identifiers: Orphanet 90348, MedGen C3276539, MONDO:0007411, OMIM 123700. Disease mechanism: Dominant Negative.

gnomAD v4.1: 4 of 1,612,966 alleles (0.00025%); highest among the groups gnomAD compares: East Asian, 0.0089%; no homozygotes.

Submissions (2):

Labcorp Genetics (formerly Invitae), Labcorp
Classification: Uncertain significance for Supravalvar aortic stenosis. Last evaluated: 2025-09-28. Review status: criteria provided, single submitter. Criteria: Invitae Variant Classification Sherloc (09022015). Collection method: clinical testing. Allele origin: germline.
Comment: This sequence change replaces valine, which is neutral and non-polar, with alanine, which is neutral and non-polar, at codon 411 of the ELN protein (p.Val411Ala). This variant is present in population databases (no rsID available, gnomAD 0.01%). This missense change has been observed in individual(s) with ductus arteriosus aneurysm (PMID: 19593948). ClinVar contains an entry for this variant (Variation ID: 3594761). Invitae Evidence Modeling of protein sequence and biophysical properties (such as structural, functional, and spatial information, amino acid conservation, physicochemical variation, residue mobility, and thermodynamic stability) indicates that this missense variant is not expected to disrupt ELN protein function with a negative predictive value of 80%. In summary, the available evidence is currently insufficient to determine the role of this variant in disease. Therefore, it has been classified as a Variant of Uncertain Significance.

Fulgent Genetics
Classification: Uncertain significance for Cutis laxa, autosomal dominant 1; Supravalvar aortic stenosis. Last evaluated: 2024-02-20. Review status: criteria provided, single submitter. Criteria: ACMG Guidelines, 2015. Collection method: clinical testing. Allele origin: germline.

Literature cited by the submitters: PubMed 19593948 (cited by Labcorp Genetics (formerly Invitae), Labcorp).

NM_000501.4(ELN):c.1232T>C (p.Val411Ala)

Gene: ELN (elastin; plus strand). Cytogenetic location: 7q11.23.
Variant type: single nucleotide variant.
Coding change: c.1232T>C on transcript NM_000501.4 (MANE Select); coding-DNA position 1232, T replaced by C.
Protein change: p.Val411Ala; replaces valine 411 with alanine.
Molecular consequence: missense variant.
Genome position (GRCh38, 1-based): chr7:74,056,352, T>C. VCF-style: chr7-74056352-T-C. GRCh37 (hg19) VCF-style: chr7-73470682-T-C.
Other names: c.1202T>C, p.Val401Ala (NM_001081752.3, NM_001278917.2); c.1247T>C, p.Val416Ala (NM_001081753.3, NM_001081754.3); c.1232T>C, p.Val411Ala (NM_001081755.3, NM_001278912.2, NM_001278915.2 and 1 more transcripts); c.1124T>C, p.Val375Ala (NM_001278913.2); c.1217T>C, p.Val406Ala (NM_001278914.2); c.1190T>C, p.Val397Ala (NM_001278916.2); c.1100T>C, p.Val367Ala (NM_001278918.2); c.1232T>C (NM_001278939.1); short protein forms V416A, V375A, V411A, V397A, V367A, V401A, V406A.
Identifiers: ClinVar variation 3594761 (VCV003594761.2).
Genomic context (GRCh38, chr7:74,056,352, plus strand): 5'-TTGGAGGCATTCCTACTTACGGGGTTGGAGCTGGGGGCTTTCCCGGCTTTGGTGTCGGAG[T>C]CGGAGGTATCCCTGGAGTCGCAGGTGTCCCTGGTGTCGGAGGTGTTCCCGGAGTCGGAGG-3'
Protein context (NP_000492.2, residues 401-421): AGGFPGFGVG[Val411Ala]GGIPGVAGVP